The following is an entry in ClinVar:

ClinVar aggregate classification (germline): Likely benign (1 of 4 stars; one submission).

Allele frequency attached by ClinVar (database versions not stated): gnomAD 0.00001; gnomAD exomes 0.00001; TOPMed 0.00002.
gnomAD v4.1: 25 of 1,614,058 alleles (0.0015%); highest among the groups gnomAD compares: Non-Finnish European, 0.0019%; no homozygotes.

Submission:

CeGaT Center for Human Genetics Tuebingen
Classification: Likely benign. Last evaluated: 2022-08-01. Review status: criteria provided, single submitter. Criteria: CeGaT Center For Human Genetics Tuebingen Variant Classification Criteria Version 2. Collection method: clinical testing. Allele origin: germline. Affected: yes. Observed: 1 variant allele.
Comment: BRPF1: BP4, BP7

NM_001003694.2(BRPF1):c.2427G>C (p.Val809=)

Gene: BRPF1 (bromodomain and PHD finger containing 1; plus strand). Cytogenetic location: 3p25.3.
Variant type: single nucleotide variant.
Coding change: c.2427G>C on transcript NM_001003694.2 (MANE Select); coding-DNA position 2427, G replaced by C.
Protein change: p.Val809=; no amino-acid change (valine 809 retained).
Molecular consequence: synonymous variant. On other transcripts: non-coding transcript variant (1).
Genome position (GRCh38, 1-based): chr3:9,743,693, G>C. VCF-style: chr3-9743693-G-C. GRCh37 (hg19) VCF-style: chr3-9785377-G-C.
Other names: c.2409G>C, p.Val803= (NM_001319049.2, NM_004634.3); c.2406G>C, p.Val802= (NM_001319050.2); c.2424G>C, p.Val808= (NM_001410704.1).
Identifiers: ClinVar variation 2653491 (VCV002653491.24), dbSNP rs745722685, ClinGen allele CA2242121.